The following is an entry in ClinVar:

NM_001256071.3(RNF213):c.12898C>T (p.Arg4300Cys)

Genes: RNF213 (ring finger protein 213; plus strand), RNF213-AS1 (RNF213 antisense RNA 1; minus strand). Cytogenetic location: 17q25.3.
Variant type: single nucleotide variant.
Coding change: c.12898C>T on transcript NM_001256071.3 (MANE Select); coding-DNA position 12898, C replaced by T.
Protein change: p.Arg4300Cys; replaces arginine 4300 with cysteine.
Molecular consequence: missense variant.
Genome position (GRCh38, 1-based): chr17:80,373,121, C>T. VCF-style: chr17-80373121-C-T. GRCh37 (hg19) VCF-style: chr17-78346921-C-T.
Other names: c.13045C>T, p.Arg4349Cys (NM_001410195.1, NM_020914.5); short protein forms R4300C, R4349C.
Identifiers: ClinVar variation 3358767 (VCV003358767.1).

ClinVar aggregate classification (germline): Uncertain significance (0 of 4 stars; one submission).

Conditions:
RNF213-related disorder. Also called: RNF213-related condition.

gnomAD v4.1: 102 of 1,613,134 alleles (0.0063%); highest among the groups gnomAD compares: Middle Eastern, 0.017%; no homozygotes.

Submission:

PreventionGenetics, part of Exact Sciences
Classification: Uncertain significance for RNF213-related condition. Last evaluated: 2024-08-27. Review status: no assertion criteria provided. Collection method: clinical testing. Allele origin: germline.
Comment: The RNF213 c.12898C>T variant is predicted to result in the amino acid substitution p.Arg4300Cys. To our knowledge, this variant has not been reported in the literature. This variant is reported in 0.0080% of alleles in individuals of European (Non-Finnish) descent in gnomAD. At this time, the clinical significance of this variant is uncertain due to the absence of conclusive functional and genetic evidence.